The following is an entry in ClinVar:

NM_006312.6(NCOR2):c.6720G>A (p.Pro2240=)

Gene: NCOR2 (nuclear receptor corepressor 2; minus strand). Cytogenetic location: 12q24.31.
Variant type: single nucleotide variant.
Coding change: c.6720G>A on transcript NM_006312.6 (MANE Select); coding-DNA position 6720, G replaced by A.
Protein change: p.Pro2240=; no amino-acid change (proline 2240 retained).
Molecular consequence: synonymous variant.
Genome position (GRCh38, 1-based): chr12:124,333,165, C>T on the plus strand (G>A on the coding strand, the complement: NCOR2 is on the minus strand). VCF-style: chr12-124333165-C-T. GRCh37 (hg19) VCF-style: chr12-124817711-C-T.
Other names: c.6690G>A, p.Pro2230= (NM_001077261.4, NM_001206654.2); c.6720G>A (NM_006312.5).
Identifiers: ClinVar variation 2643548 (VCV002643548.25), dbSNP rs188154393, ClinGen allele CA6867388.

ClinVar aggregate classification (germline): Likely benign. Review status: criteria provided, single submitter (1 of 4 stars). 2 submissions from 2 submitters: Likely benign (1). 1 of the submissions does not count toward it. Last evaluated 2023-02-01.

Conditions:
NCOR2-related disorder. Also called: NCOR2-related condition.

Allele frequency attached by ClinVar (database versions not stated): ESP Exome Variant Server 0.00040; 1000 Genomes Project 0.00060; gnomAD exomes 0.00073; 1000 Genomes Project 30x 0.00078; gnomAD 0.00084; TOPMed 0.00103; ExAC 0.00108.
gnomAD v4.1: 1,248 of 1,612,120 alleles (0.077%); highest among the groups gnomAD compares: Middle Eastern, 1.6%; 3 homozygotes.

Submissions (2):

CeGaT Center for Human Genetics Tuebingen
Classification: Likely benign. Last evaluated: 2023-02-01. Review status: criteria provided, single submitter. Criteria: CeGaT Center For Human Genetics Tuebingen Variant Classification Criteria Version 2. Collection method: clinical testing. Allele origin: germline. Affected: yes. Observed: 1 variant allele.
Comment: NCOR2: BP4, BP7

PreventionGenetics, part of Exact Sciences
Classification: Likely benign for NCOR2-related condition. Last evaluated: 2019-02-21. Review status: no assertion criteria provided. Collection method: clinical testing. Allele origin: germline. Not counted in ClinVar's aggregate classification.
Comment: This variant is classified as likely benign based on ACMG/AMP sequence variant interpretation guidelines (Richards et al. 2015 PMID: 25741868, with internal and published modifications).